The following is an entry in ClinVar:

NM_000094.4(COL7A1):c.6714+3G>A

Gene: COL7A1 (collagen type VII alpha 1 chain; minus strand). Cytogenetic location: 3p21.31.
Variant type: single nucleotide variant.
Coding change: c.6714+3G>A on transcript NM_000094.4 (MANE Select); 3 bases into the intron after coding-DNA position 6714, G replaced by A.
Molecular consequence: intron variant.
Genome position (GRCh38, 1-based): chr3:48,573,171, C>T on the plus strand (G>A on the coding strand, the complement: COL7A1 is on the minus strand). VCF-style: chr3-48573171-C-T. GRCh37 (hg19) VCF-style: chr3-48610604-C-T.
Identifiers: ClinVar variation 1375369 (VCV001375369.6), dbSNP rs1446545673, ClinGen allele CA543045652.
Genomic context (GRCh38, chr3:48,573,171, plus strand): 5'-AGAACATGGGCCCCAAGGAGTGAAAACACGGTGTCCCTACAGGGGCCACAGGGACTCACT[C>T]ACCACAAGGCCTGAAGGGCCGGGGGGTCCAGGAAGTCCCACAGCTCCAGTAGGTCCAGTC-3'

ClinVar aggregate classification (germline): Uncertain significance. Review status: criteria provided, multiple submitters, no conflicts (2 of 4 stars). 2 submissions from 2 submitters: Uncertain significance (2). Last evaluated 2025-10-23.

Allele frequency attached by ClinVar (database versions not stated): gnomAD exomes 0.00001 and 0.00002; gnomAD 0.00002; TOPMed 0.00002.
gnomAD v4.1: 28 of 1,613,960 alleles (0.0017%); highest among the groups gnomAD compares: Middle Eastern, 0.016%; no homozygotes.

Submissions (2):

Labcorp Genetics (formerly Invitae), Labcorp
Classification: Uncertain significance. Last evaluated: 2025-10-23. Review status: criteria provided, single submitter. Criteria: Invitae Variant Classification Sherloc (09022015). Collection method: clinical testing. Allele origin: germline.
Comment: This sequence change falls in intron 84 of the COL7A1 gene. It does not directly change the encoded amino acid sequence of the COL7A1 protein. It affects a nucleotide within the consensus splice site. This variant is present in population databases (no rsID available, gnomAD 0.004%). This variant has not been reported in the literature in individuals affected with COL7A1-related conditions. ClinVar contains an entry for this variant (Variation ID: 1375369). Variants that disrupt the consensus splice site are a relatively common cause of aberrant splicing (PMID: 17576681, 9536098). Algorithms developed to predict the effect of sequence changes on RNA splicing suggest that this variant is not likely to affect RNA splicing. In summary, the available evidence is currently insufficient to determine the role of this variant in disease. Therefore, it has been classified as a Variant of Uncertain Significance.

Women's Health and Genetics/Laboratory Corporation of America, LabCorp
Classification: Uncertain significance. Last evaluated: 2025-05-12. Review status: criteria provided, single submitter. Criteria: LabCorp Variant Classification Summary - May 2015. Collection method: clinical testing. Allele origin: germline.

Literature cited by the submitters: PubMed 17576681 (cited by Labcorp Genetics (formerly Invitae), Labcorp); PubMed 9536098 (cited by Labcorp Genetics (formerly Invitae), Labcorp).